The following is an entry in ClinVar:

ClinVar aggregate classification (germline): Pathogenic (1 of 4 stars; one submission).

Conditions:
Hereditary cancer-predisposing syndrome. Also called: Hereditary Cancer Syndrome; Neoplastic Syndromes, Hereditary; Hereditary neoplastic syndrome; Tumor predisposition. Identifiers: Orphanet 140162, MedGen C0027672, MeSH D009386, MONDO:0015356.

Submission:

Ambry Genetics
Classification: Pathogenic for Hereditary cancer-predisposing syndrome. Last evaluated: 2013-12-30. Review status: criteria provided, single submitter. Criteria: Ambry Autosomal Dominant and X-Linked criteria (10/2015). Collection method: clinical testing. Allele origin: germline. Observed: 1 variant allele.
Comment: Ã¢â‚¬â€¹The c.715dupG pathogenic mutation, located in coding exon 5 of the PTCH1 gene, results from a duplication of G at position 715, causing a translational frameshift with a predicted alternate stop codon. Since frameshifts are typically deleterious in nature, this alteration is interpreted as a disease-causing mutation (ACMG Recommendations for Standards for Interpretation and Reporting of Sequence Variations. Revision 2007. Genet Med. 2008;10:294).

NM_000264.5(PTCH1):c.715dup (p.Ala239fs)

Gene: PTCH1 (patched 1; minus strand). Cytogenetic location: 9q22.32.
Variant type: Duplication.
Coding change: c.715dup on transcript NM_000264.5 (MANE Select); coding-DNA position 715, one base duplicated (G; older notation c.715dupG).
Protein change: p.Ala239fs; shifts the reading frame from alanine 239.
Molecular consequence: frameshift variant. On other transcripts: non-coding transcript variant (1).
Genome position (GRCh38, 1-based): chr9:95,481,980, C duplicated on the plus strand (G on the coding strand, the reverse complement: PTCH1 is on the minus strand); the first of 4 consecutive C bases (chr9:95,481,980-95,481,983); duplicating any one gives the same sequence. VCF-style (leftmost placement, unchanged base first): chr9-95481979-G-GC. GRCh37 (hg19) VCF-style: chr9-98244261-G-GC.
Other names: c.262dup, p.Ala88fs (NM_001083607.3, NM_001083604.3, NM_001083605.3 and 1 more transcripts); c.715dup, p.Ala239fs (NM_001354918.2); c.517dup, p.Ala173fs (NM_001354919.2, NM_001083602.3); c.712dup, p.Ala238fs (NM_001083603.3); c.715dupG (NM_000264.3); short protein forms A88fs, A173fs, A239fs, A238fs.
Identifiers: ClinVar variation 428820 (VCV000428820.3), dbSNP rs1131690971, ClinGen allele CA645369453.